The following is an entry in ClinVar:

NC_000007.13:g.(?_193200)_(1498962_?)del

Genes: ADAP1 (ArfGAP with dual PH domains 1; minus strand), CHLSN (cholesin; minus strand), COX19 (cytochrome c oxidase assembly factor COX19; minus strand), CYP2W1 (cytochrome P450 family 2 subfamily W member 1; plus strand), DNAAF5 (dynein axonemal assembly factor 5; plus strand) and 10 more. Cytogenetic location: 7p22.3.
Variant type: Deletion.
Identifiers: ClinVar variation 2426527 (VCV002426527.3).

ClinVar aggregate classification (germline): Pathogenic (1 of 4 stars; one submission).

Submission:

Labcorp Genetics (formerly Invitae), Labcorp
Classification: Pathogenic. Last evaluated: 2022-04-07. Review status: criteria provided, single submitter. Criteria: Invitae Variant Classification Sherloc (09022015). Collection method: clinical testing. Allele origin: germline.
Comment: A gross deletion of the genomic region encompassing the full coding sequence of the FAM20C gene has been identified. Loss-of-function variants in FAM20C are known to be pathogenic (PMID: 17924334, 22615579, 22732358, 23325605, 25026495). The boundaries of this event are unknown as they extend beyond the assayed region for this gene and therefore may encompass additional genes. A similar copy number variant has been observed in individual(s) with Raine syndrome (PMID: 24039075). For these reasons, this variant has been classified as Pathogenic.

Literature cited by the submitters: PubMed 17924334; PubMed 22615579; PubMed 22732358; PubMed 23325605; PubMed 25026495; PubMed 24039075.